The following is an entry in ClinVar:

ClinVar aggregate classification (germline): Uncertain significance. Review status: criteria provided, multiple submitters, no conflicts (2 of 4 stars). 3 submissions from 3 submitters: Uncertain significance (3). Last evaluated 2026-02-06.

Conditions:
COL4A1 or COL4A2-related cerebral small vessel disease. Identifiers: Orphanet 477759, MedGen C5680103, MONDO:0018788.

Allele frequency attached by ClinVar (database versions not stated): gnomAD exomes 0.00001; TOPMed 0.00001; ExAC 0.00002.
gnomAD v4.1: 15 of 1,613,958 alleles (0.00093%); highest among the groups gnomAD compares: South Asian, 0.0077%; no homozygotes.

Submissions (3):

GeneDx
Classification: Uncertain significance. Last evaluated: 2026-02-06. Review status: criteria provided, single submitter. Criteria: GeneDx Variant Classification Process June 2021. Collection method: clinical testing. Allele origin: germline.
Comment: Reported in a child with vesicoureteral reflux, but familial segregation information was not provided (PMID: 36549658); Occurs in the triple helical domain at the X position in the canonical Gly-X-Y repeat; although this variant may have an effect on normal protein folding and function, missense substitution at the X position is not a common mechanism of disease; In silico analysis supports that this missense variant has a deleterious effect on protein structure/function; This variant is associated with the following publications: (PMID: 36549658)

Labcorp Genetics (formerly Invitae), Labcorp
Classification: Uncertain significance. Last evaluated: 2024-09-06. Review status: criteria provided, single submitter. Criteria: Invitae Variant Classification Sherloc (09022015). Collection method: clinical testing. Allele origin: germline.
Comment: This sequence change replaces proline, which is neutral and non-polar, with leucine, which is neutral and non-polar, at codon 413 of the COL4A1 protein (p.Pro413Leu). This variant is present in population databases (rs758969549, gnomAD 0.006%). This variant has not been reported in the literature in individuals affected with COL4A1-related conditions. ClinVar contains an entry for this variant (Variation ID: 1699317). Invitae Evidence Modeling of protein sequence and biophysical properties (such as structural, functional, and spatial information, amino acid conservation, physicochemical variation, residue mobility, and thermodynamic stability) indicates that this missense variant is not expected to disrupt COL4A1 protein function with a negative predictive value of 95%. In summary, the available evidence is currently insufficient to determine the role of this variant in disease. Therefore, it has been classified as a Variant of Uncertain Significance.

Victorian Clinical Genetics Services, Murdoch Childrens Research Institute
Classification: Uncertain significance for COL4A1 or COL4A2-related cerebral small vessel disease. Last evaluated: 2022-02-02. Review status: criteria provided, single submitter. Criteria: ACMG Guidelines, 2015. Collection method: clinical testing. Allele origin: germline. Inheritance: Autosomal dominant inheritance. Affected: yes.
Comment: Based on the classification scheme VCGS_Germline_v1.3.4, this variant is classified as VUS-3B. Following criteria are met: 0103 - Dominant negative and loss of function are likely mechanisms of disease in this gene and are associated with COL4A1-related disorders. Missense variants affecting the glycine of the triple helix of collagen genes typically exert a dominant-negative effect however, functional studies proving this for COL4A1 is currently lacking (PMID: 16159887). (I) 0107 - This gene is associated with autosomal dominant disease. (I) 0112 - The condition associated with this gene has incomplete penetrance (PMID: 21625620, 30413629). (I) 0200 - Variant is predicted to result in a missense amino acid change from proline to leucine. (I) 0251 - This variant is heterozygous. (I) 0302 - Variant is present in gnomAD (v2) <0.001 for a dominant condition (2 heterozygotes, 0 homozygotes). (SP) 0501 - Missense variant consistently predicted to be damaging by multiple in silico tools or highly conserved with a major amino acid change. (SP) 0600 - Variant is located in the Y position of the annotated G-X-Y triple helical repeat region (UniProt, DECIPHER). (I) 0705 - No comparable missense variants have previous evidence for pathogenicity. (I) 0807 - This variant has no previous evidence of pathogenicity. (I) 0905 - No published segregation evidence has been identified for this variant. (I) 1007 - No published functional evidence has been identified for this variant. (I) 1208 - Inheritance information for this variant is not currently available in this individual. (I) Legend: (SP) - Supporting pathogenic, (I) - Information, (SB) - Supporting benign

Literature cited by the submitters: PubMed 16159887 (cited by Victorian Clinical Genetics Services, Murdoch Childrens Research Institute); PubMed 21625620 (cited by Victorian Clinical Genetics Services, Murdoch Childrens Research Institute); PubMed 30413629 (cited by Victorian Clinical Genetics Services, Murdoch Childrens Research Institute).

NM_001845.6(COL4A1):c.1238C>T (p.Pro413Leu)

Gene: COL4A1 (collagen type IV alpha 1 chain; minus strand). Cytogenetic location: 13q34.
Variant type: single nucleotide variant.
Coding change: c.1238C>T on transcript NM_001845.6 (MANE Select); coding-DNA position 1238, C replaced by T.
Protein change: p.Pro413Leu; replaces proline 413 with leucine.
Molecular consequence: missense variant.
Genome position (GRCh38, 1-based): chr13:110,198,514, G>A on the plus strand (C>T on the coding strand, the complement: COL4A1 is on the minus strand). VCF-style: chr13-110198514-G-A. GRCh37 (hg19) VCF-style: chr13-110850861-G-A.
Other names: c.1238C>T, p.Pro413Leu (NM_001303110.2); c.1238C>T (NM_001845.4); short protein forms P413L.
Identifiers: ClinVar variation 1699317 (VCV001699317.6), dbSNP rs758969549, ClinGen allele CA7048019.